The following is an entry in ClinVar:

ClinVar aggregate classification (germline): Pathogenic. Review status: criteria provided, multiple submitters, no conflicts (2 of 4 stars). 34 submissions from 34 submitters: Pathogenic (29). 5 of the submissions do not count toward it. Last evaluated 2026-02-01.
ClinVar aggregate classification (oncogenicity): Likely oncogenic (1 of 4 stars; one submission).

Conditions:
Autosomal dominant NF1-related disorders.
NF1-related disorder. Also called: NF1-related condition. Identifiers: MedGen CN379171.
Neurofibromatosis, type 1 (NF1). Also called: NEUROFIBROMATOSIS, TYPE I, SOMATIC; VON RECKLINGHAUSEN DISEASE; Neurofibromatosis, type I; Peripheral type neurofibromatosis. Identifiers: Orphanet 636, MedGen C0027831, MONDO:0018975, OMIM 162200. Disease mechanism: loss of function.
Tibial pseudarthrosis. Identifiers: MedGen C4024216, HP:0009736.
Gastric cancer. Also called: Stomach cancer; Malignant tumor of stomach. Identifiers: MedGen C0024623, MeSH D013274, MONDO:0001056, OMIM 613659, HP:0012126.
Hereditary cancer-predisposing syndrome. Also called: Tumor predisposition; Hereditary neoplastic syndrome; Hereditary Cancer Syndrome; Neoplastic Syndromes, Hereditary. Identifiers: Orphanet 140162, MedGen C0027672, MeSH D009386, MONDO:0015356.
Chromosome 17q11.2 deletion syndrome, 1.4Mb. Also called: NEUROFIBROMATOSIS 1 MICRODELETION SYNDROME; VAN ASPEREN SYNDROME; NF1 MICRODELETION SYNDROME; Chromosome 17q11.2 deletion syndrome, 1.4 MB. Identifiers: Orphanet 139474, Orphanet 636, Orphanet 97685, MedGen C5401456, MONDO:0013357, OMIM 613675.
Juvenile myelomonocytic leukemia (JMML). Also called: LEUKEMIA, JUVENILE MYELOMONOCYTIC, SOMATIC. Identifiers: Orphanet 86834, MedGen C0349639, MONDO:0011908, OMIM 607785, HP:0012209.
Neoplasm. Also called: tumor; Neoplasms; Neoplasm (disease). Identifiers: MedGen C0027651, MeSH D009369, MONDO:0005070, HP:0002664.

Submissions 1 to 10 of 35:

CeGaT Center for Human Genetics Tuebingen
Classification: Pathogenic. Last evaluated: 2026-02-01. Review status: criteria provided, single submitter. Criteria: CeGaT Center For Human Genetics Tuebingen Variant Classification Criteria Version 2. Collection method: clinical testing. Allele origin: germline. Affected: yes. Observed: 4 variant alleles.
Comment: NF1: PVS1, PS4:Moderate

3billion
Classification: Pathogenic for Neurofibromatosis, type 1. Last evaluated: 2025-12-31. Review status: criteria provided, single submitter. Criteria: ACMG Guidelines, 2015. Collection method: clinical testing. Allele origin: germline. Affected: yes.
Comment: The variant is observed at an extremely low frequency in the gnomAD v4.1.0 dataset (total allele frequency: 0.002%). Predicted Consequence/Location: Frameshift: predicted to result in a loss or disruption of normal protein function through nonsense-mediated decay (NMD) or protein truncation. Multiple pathogenic variants are reported downstream of the variant. The variant has been observed in multiple (>3) similarly affected unrelated individuals (PMID: 17311297, 18546366, 21354044, 23656349, 7655472). The variant has been reported at least twice as pathogenic with clinical assertions and evidence for the classification (ClinVar ID: VCV000141513 /PMID: 7655472 /3billion dataset). Therefore, this variant is classified as Pathogenic according to the recommendation of ACMG/AMP guideline.

Labcorp Genetics (formerly Invitae), Labcorp
Classification: Pathogenic for Neurofibromatosis, type 1. Last evaluated: 2025-12-22. Review status: criteria provided, single submitter. Criteria: Invitae Variant Classification Sherloc (09022015). Collection method: clinical testing. Allele origin: germline.
Comment: This sequence change creates a premature translational stop signal (p.Ile679Aspfs*21) in the NF1 gene. It is expected to result in an absent or disrupted protein product. Loss-of-function variants in NF1 are known to be pathogenic (PMID: 10712197, 23913538). The frequency data for this variant in the population databases is considered unreliable, as metrics indicate poor data quality at this position in the gnomAD database. This premature translational stop signal has been observed in individuals with neurofibromatosis type 1 (PMID: 7655472, 17311297, 18546366, 21354044, 23656349, 23668869). Invitae Evidence Modeling of clinical and family history, age, sex, and reported ancestry of multiple individuals with this NF1 variant has been performed. This variant is expected to be pathogenic with a positive predictive value of at least 99%. This is a validated machine learning model that incorporates the clinical features of 1,785,918 individuals referred to our laboratory for NF1 testing. This variant is also known as 2027insC and c.2033_2034insC. ClinVar contains an entry for this variant (Variation ID: 141513). For these reasons, this variant has been classified as Pathogenic.

Myriad Genetics, Inc.
Classification: Pathogenic for Neurofibromatosis, type 1. Last evaluated: 2025-12-04. Review status: criteria provided, single submitter. Criteria: Myriad Autosomal Dominant, Autosomal Recessive and X-Linked Classification Criteria (2023). Collection method: clinical testing. Allele origin: unknown.
Comment: This variant is considered pathogenic. This variant creates a frameshift predicted to result in premature protein truncation.

Genomic Medicine Center of Excellence, King Faisal Specialist Hospital and Research Centre
Classification: Pathogenic for Neurofibromatosis, type 1. Last evaluated: 2025-09-10. Review status: criteria provided, single submitter. Criteria: ACMG Guidelines, 2015. Collection method: clinical testing. Allele origin: germline.

Variantyx, Inc.
Classification: Pathogenic for Autosomal dominant NF1-related disorders. Last evaluated: 2025-08-10. Review status: criteria provided, single submitter. Criteria: Variantyx Assertion Criteria 2022. Collection method: clinical testing. Allele origin: de novo. Inheritance: Autosomal dominant inheritance. Affected: yes.
Comment: This is a frameshift variant in the NF1 gene (OMIM: 613113). Pathogenic variants in this gene have been associated with autosomal dominant NF1-related disorders. This variant likely occurred de novo in individuals reported in the published literature; however, the possibility of parental germline mosaicism cannot be excluded (PMID: 33149276) (PS2). This variant introduces a premature termination codon in exon 18 out of 58 and is expected to result in loss of function, which is a known disease mechanism for NF1 in this disorder (PMID: 10712197, 23913538) (PVS1). This variant has a 0.0033% maximum allele frequency in non-founder control populations. Based on the current evidence, this variant is classified as pathogenic for autosomal dominant NF1-related disorders.

Quest Diagnostics Nichols Institute San Juan Capistrano
Classification: Pathogenic. Last evaluated: 2025-07-31. Review status: criteria provided, single submitter. Criteria: Quest Diagnostics criteria. Collection method: clinical testing. Allele origin: unknown.
Comment: The NF1 c.2033dup (p.Ile679Aspfs*21) variant alters the translational reading frame of the NF1 mRNA and causes the premature termination of NF1 protein synthesis. This variant has been reported in the published literature in individuals and families affected with neurofibromatosis 1 (PMIDs: 7655472 (1995), 10712197 (2000), 17311297 (2007), 21354044 (2011), 23668869 (2013), 25541118 (2015), 30308447 (2018), 37272364 (2023)). This variant has also been reported in individuals with breast cancer (PMID: 33471991 (2021), see also LOVD), prostate cancer (PMID: 32338768 (2020)), and lung cancer (PMID: 35273153 (2022)). Assessment of experimental evidence suggests this variant results in abnormal protein function (PMIDs: 7655472 (1995), 10712197 (2000)). The frequency of this variant in the general population (Genome Aggregation Database) is uninformative in the assessment of its pathogenicity. Based on the available information, this variant is classified as pathogenic.

PreventionGenetics, part of Exact Sciences
Classification: Pathogenic for NF1-related condition. Last evaluated: 2025-07-07. Review status: criteria provided, single submitter. Criteria: ACMG Guidelines, 2015. Collection method: clinical testing. Allele origin: germline.
Comment: The NF1 c.2033dupC variant is predicted to result in a frameshift and premature protein termination (p.Ile679Aspfs*21). This variant has been reported in multiple individuals with neurofibromatosis type 1 (NF1, Heim et al. 1995. PubMed ID: 7655472; Rodríguez et al. 2015. PubMed ID: 25541118; Tsipi et al. 2018. PubMed ID: 30308447) including one patient with NF1 and juvenile myelomonocytic leukemia (JMML) (van Minkelen et al. 2014. PubMed ID: 23656349, Sakaguchi et al. 2013. PubMed ID: 23832011; van Minkelen et al. 2014. PubMed ID: 23656349). This variant is reported in 0.0065% of alleles in individuals of South Asian descent in gnomAD and is interpreted as pathogenic in ClinVar (ClinVar ID:141513). Frameshift variants in NF1 are expected to be pathogenic. This variant is interpreted as pathogenic.

Center for Genomic Medicine, Rigshospitalet, Copenhagen University Hospital
Classification: Likely oncogenic for Neoplasm. Last evaluated: 2025-03-04. Review status: criteria provided, single submitter. Criteria: ClinGen/CGC/VICC Guidelines for Oncogenicity, 2022. Collection method: clinical testing. Allele origin: somatic. Affected: yes.

Women's Health and Genetics/Laboratory Corporation of America, LabCorp
Classification: Pathogenic for Neurofibromatosis, type 1. Last evaluated: 2024-05-03. Review status: criteria provided, single submitter. Criteria: LabCorp Variant Classification Summary - May 2015. Collection method: clinical testing. Allele origin: germline.
Comment: Variant summary: NF1 c.2033dupC (p.Ile679AspfsX21) results in a premature termination codon, predicted to cause absence of the protein due to nonsense mediated decay, which is a commonly known mechanism for disease. The frequency data for this variant in gnomAD is considered unreliable, as metrics indicate poor data quality at this position. germline c.2033dupC has been reported in the literature in individuals affected with Neurofibromatosis Type 1 (example,Tsipi_2018). These data indicate that the variant is likely associated with disease. To our knowledge, no experimental evidence demonstrating an impact on protein function has been reported. This variant has also been observed as a somatic change in myeloproliferative disorders(MPDs). The following publications have been ascertained in the context of this evaluation (PMID: 30308447, 27069254, 10678181, 23460398, 29872168, NCCN_MDS). ClinVar contains an entry for this variant (Variation ID: 141513). Based on the evidence outlined above, the variant was classified as pathogenic.

NM_001042492.3(NF1):c.2033dup (p.Ile679fs)

Gene: NF1 (neurofibromin 1; plus strand). Cytogenetic location: 17q11.2.
Variant type: Duplication.
Coding change: c.2033dup on transcript NM_001042492.3 (MANE Select); coding-DNA position 2033, one base duplicated (C; older notation c.2033dupC).
Protein change: p.Ile679fs; shifts the reading frame from isoleucine 679.
Molecular consequence: frameshift variant.
Genome position (GRCh38, 1-based): chr17:31,226,466, C duplicated; the last of 7 consecutive C bases (chr17:31,226,460-31,226,466); duplicating any one gives the same sequence. VCF-style (leftmost placement, unchanged base first): chr17-31226459-A-AC. GRCh37 (hg19) VCF-style: chr17-29553477-A-AC.
Other names: p.Ile679Aspfs*21; c.2033dupC (NM_000267.3, NM_001042492.2); c.2033dup, p.Ile679Aspfs (NM_000267.4); short protein forms I679fs.
Identifiers: ClinVar variation 141513 (VCV000141513.102), dbSNP rs587781807, ClinGen allele CA165662.